The following is an entry in ClinVar:

NM_001267550.2(TTN):c.47860G>A (p.Ala15954Thr)

Genes: TTN (titin; minus strand), TTN-AS1 (TTN antisense RNA 1; plus strand). Cytogenetic location: 2q31.2.
Variant type: single nucleotide variant.
Coding change: c.47860G>A on transcript NM_001267550.2 (MANE Select); coding-DNA position 47860, G replaced by A.
Protein change: p.Ala15954Thr; replaces alanine 15954 with threonine.
Molecular consequence: missense variant.
Genome position (GRCh38, 1-based): chr2:178,617,135, C>T on the plus strand (G>A on the coding strand, the complement: TTN is on the minus strand). VCF-style: chr2-178617135-C-T. GRCh37 (hg19) VCF-style: chr2-179481862-C-T.
Other names: p.A14313T:GCT>ACT; c.42937G>A, p.Ala14313Thr (NM_001256850.1); c.40156G>A, p.Ala13386Thr (NM_133378.4); c.20665G>A, p.Ala6889Thr (NM_003319.4); c.21040G>A, p.Ala7014Thr (NM_133432.3); c.21241G>A, p.Ala7081Thr (NM_133437.4); short protein forms A13386T, A15954T, A14313T, A6889T, A7081T, A7014T.
Identifiers: ClinVar variation 179047 (VCV000179047.20), dbSNP rs377037421, ClinGen allele CA183610.

ClinVar aggregate classification (germline): Conflicting classifications of pathogenicity. Review status: criteria provided, conflicting classifications (1 of 4 stars). 10 submissions from 10 submitters: Uncertain significance (6); Likely benign (2). 2 of the submissions do not count toward it. Last evaluated 2026-03-17.

Conditions:
TTN-related disorder. Also called: TTN-related condition; TTN-related disease; TTN-related disorders.
Cardiovascular phenotype. Identifiers: MedGen CN230736.

Allele frequency attached by ClinVar (database versions not stated): gnomAD 0.00007 and 0.00008; gnomAD exomes 0.00007 and 0.00005; ESP Exome Variant Server 0.00008; TOPMed 0.00011; ExAC 0.00007.
gnomAD v4.1: 89 of 1,609,216 alleles (0.0055%); highest among the groups gnomAD compares: African/African-American, 0.015%; no homozygotes.

Submissions (10):

PreventionGenetics, part of Exact Sciences
Classification: Uncertain significance for TTN-related condition. Last evaluated: 2026-03-17. Review status: criteria provided, single submitter. Criteria: ACMG Guidelines, 2015. Collection method: clinical testing. Allele origin: germline.
Comment: The TTN c.47860G>A variant is predicted to result in the amino acid substitution p.Ala15954Thr. To our knowledge, this variant has not been reported in the literature. This variant is reported in 0.0098% of alleles in individuals of Ashkenazi Jewish descent in gnomAD. At this time, the clinical significance of this variant is uncertain due to the absence of conclusive functional and genetic evidence.

Molecular Diagnostic Laboratory for Inherited Cardiovascular Disease, Montreal Heart Institute
Classification: Likely benign. Last evaluated: 2025-04-09. Review status: criteria provided, single submitter. Criteria: ACMG Guidelines, 2015. Collection method: clinical testing. Allele origin: germline. Affected: no.

Revvity Omics, Revvity
Classification: Uncertain significance. Last evaluated: 2025-01-28. Review status: criteria provided, single submitter. Criteria: ACMG Guidelines, 2015. Collection method: clinical testing. Allele origin: germline.

Women's Health and Genetics/Laboratory Corporation of America, LabCorp
Classification: Uncertain significance. Last evaluated: 2023-12-07. Review status: criteria provided, single submitter. Criteria: LabCorp Variant Classification Summary - May 2015. Collection method: clinical testing. Allele origin: germline.
Comment: Variant summary: TTN c.40156G>A (p.Ala13386Thr) results in a non-conservative amino acid change located in the A-band region of the encoded protein sequence. Three of four in-silico tools predict a damaging effect of the variant on protein function. The variant allele was found at a frequency of 5.6e-05 in 1602240 control chromosomes (i.e. in 89 carriers) in the gnomAD database, v4.0 dataset. To our knowledge, no occurrence of c.40156G>A in individuals affected with Limb-Girdle Muscular Dystrophy, Type 2J and no experimental evidence demonstrating its impact on protein function have been reported. Four submitters have provided clinical-significance assessments for this variant in ClinVar after 2014, and classified the variant as VUS (n=3) or likely benign (n=1). Based on the evidence outlined above, the variant was classified as uncertain significance.

GeneDx
Classification: Likely benign. Last evaluated: 2021-03-08. Review status: criteria provided, single submitter. Criteria: GeneDx Variant Classification Process June 2021. Collection method: clinical testing. Allele origin: germline. Affected: yes.

Ambry Genetics
Classification: Uncertain significance for Cardiovascular phenotype. Last evaluated: 2019-03-26. Review status: criteria provided, single submitter. Criteria: Ambry Variant Classification Scheme 2023. Collection method: clinical testing. Allele origin: germline.
Comment: The p.A6889T variant (also known as c.20665G>A), located in coding exon 82 of the TTN gene, results from a G to A substitution at nucleotide position 20665. The alanine at codon 6889 is replaced by threonine, an amino acid with similar properties. This amino acid position is highly conserved in available vertebrate species. In addition, this alteration is predicted to be tolerated by in silico analysis. Since supporting evidence is limited at this time, the clinical significance of this alteration remains unclear.

Eurofins Ntd Llc (ga)
Classification: Uncertain significance. Last evaluated: 2016-02-02. Review status: criteria provided, single submitter. Criteria: EGL Classification Definitions 2015. Collection method: clinical testing. Allele origin: germline. Observed: 2 variant alleles, 2 heterozygotes.

Laboratory for Molecular Medicine, Mass General Brigham Personalized Medicine
Classification: Uncertain significance. Last evaluated: 2013-12-05. Review status: criteria provided, single submitter. Criteria: LMM Criteria. Collection method: clinical testing. Allele origin: germline. Observed: 1 variant allele.
Comment: The Ala13386Thr variant in TTN has not been previously reported in individuals w ith cardiomyopathy, but has been identified in 1/8190 European American chromoso mes by the NHLBI Exome Sequencing Project. Co mputational analyses (biochemical amino acid properties, conservation, AlignGVGD , PolyPhen2, and SIFT) suggest that this variant may impact the protein, though this information is not predictive enough to determine pathogenicity conclusivel y. Additional information is needed to fully assess the clinical significance of this variant.

Clinical Genetics DNA and cytogenetics Diagnostics Lab, Erasmus MC, Erasmus Medical Center
Classification: Uncertain significance. Review status: no assertion criteria provided. Collection method: clinical testing. Allele origin: germline. Affected: yes. Study: VKGL Data-share Consensus. Not counted in ClinVar's aggregate classification.

Laboratory of Diagnostic Genome Analysis, Leiden University Medical Center (LUMC)
Classification: Uncertain significance. Review status: no assertion criteria provided. Collection method: clinical testing. Allele origin: germline. Affected: yes. Study: VKGL Data-share Consensus. Not counted in ClinVar's aggregate classification.